The following is an entry in ClinVar:

NM_000179.3(MSH6):c.1390A>G (p.Ile464Val)

Gene: MSH6 (mutS homolog 6; plus strand). Cytogenetic location: 2p16.3.
Variant type: single nucleotide variant.
Coding change: c.1390A>G on transcript NM_000179.3 (MANE Select); coding-DNA position 1390, A replaced by G.
Protein change: p.Ile464Val; replaces isoleucine 464 with valine.
Molecular consequence: missense variant.
Genome position (GRCh38, 1-based): chr2:47,799,373, A>G. VCF-style: chr2-47799373-A-G. GRCh37 (hg19) VCF-style: chr2-48026512-A-G.
Other names: c.1000A>G, p.Ile334Val (NM_001281492.2); c.484A>G, p.Ile162Val (NM_001281493.2, NM_001281494.2); c.1390A>G (NM_000179.2); short protein forms I162V, I334V, I464V.
Identifiers: ClinVar variation 1684900 (VCV001684900.2), dbSNP rs201892477, ClinGen allele CA346745102.

ClinVar aggregate classification (germline): Uncertain significance. Review status: criteria provided, multiple submitters, no conflicts (2 of 4 stars). 2 submissions from 2 submitters: Uncertain significance (2). Last evaluated 2026-02-23.

Conditions:
Hereditary cancer-predisposing syndrome. Also called: Tumor predisposition; Hereditary Cancer Syndrome; Hereditary neoplastic syndrome; Neoplastic Syndromes, Hereditary. Identifiers: Orphanet 140162, MedGen C0027672, MeSH D009386, MONDO:0015356.

Submissions (2):

Ambry Genetics
Classification: Uncertain significance for Hereditary cancer-predisposing syndrome. Last evaluated: 2026-02-23. Review status: criteria provided, single submitter. Criteria: Ambry Variant Classification Scheme 2023. Collection method: clinical testing. Allele origin: germline.
Comment: The p.I464V variant (also known as c.1390A>G), located in coding exon 4 of the MSH6 gene, results from an A to G substitution at nucleotide position 1390. The isoleucine at codon 464 is replaced by valine, an amino acid with highly similar properties. This amino acid position is well conserved in available vertebrate species. In addition, the in silico prediction for this alteration is inconclusive. Based on the available evidence, the clinical significance of this variant remains unclear.

Mendelics
Classification: Uncertain significance. Last evaluated: 2022-05-04. Review status: criteria provided, single submitter. Criteria: Mendelics Assertion Criteria 2019. Collection method: clinical testing. Allele origin: germline.